The following is an entry in ClinVar:

NM_000465.4(BARD1):c.693C>T (p.Ser231=)

Gene: BARD1 (BRCA1 associated RING domain 1; minus strand). Cytogenetic location: 2q35.
Variant type: single nucleotide variant.
Coding change: c.693C>T on transcript NM_000465.4 (MANE Select); coding-DNA position 693, C replaced by T.
Protein change: p.Ser231=; no amino-acid change (serine 231 retained).
Molecular consequence: synonymous variant. On other transcripts: non-coding transcript variant (2), intron variant (3).
Genome position (GRCh38, 1-based): chr2:214,781,181, G>A on the plus strand (C>T on the coding strand, the complement: BARD1 is on the minus strand). VCF-style: chr2-214781181-G-A. GRCh37 (hg19) VCF-style: chr2-215645905-G-A.
Other names: c.636C>T, p.Ser212= (NM_001282543.2); c.158+28231C>T (NM_001282548.2); c.215+15880C>T (NM_001282545.2); c.364+11116C>T (NM_001282549.2).
Identifiers: ClinVar variation 1130530 (VCV001130530.13), dbSNP rs2106110948, ClinGen allele CA431391033.

ClinVar aggregate classification (germline): Benign/Likely benign. Review status: criteria provided, multiple submitters, no conflicts (2 of 4 stars). 3 submissions from 3 submitters: Benign (1); Likely benign (2). Last evaluated 2024-07-22.

Conditions:
Hereditary cancer-predisposing syndrome. Also called: Hereditary neoplastic syndrome; Hereditary Cancer Syndrome; Tumor predisposition; Neoplastic Syndromes, Hereditary. Identifiers: Orphanet 140162, MedGen C0027672, MeSH D009386, MONDO:0015356.
Familial cancer of breast. Also called: BREAST CANCER, FAMILIAL; hereditary breast carcinoma; Hereditary breast cancer. Identifiers: Orphanet 227535, MedGen C0346153, MONDO:0016419, OMIM 114480. Disease mechanism: loss of function.

Allele frequency attached by ClinVar (database versions not stated): gnomAD exomes below 0.00001.
gnomAD v4.1: 1 of 1,586,322 alleles (0.000063%); highest among the groups gnomAD compares: East Asian, 0.0022%; no homozygotes.

Submissions (3):

Myriad Genetics, Inc.
Classification: Benign for Familial cancer of breast. Last evaluated: 2024-07-22. Review status: criteria provided, single submitter. Criteria: Myriad Autosomal Dominant, Autosomal Recessive and X-Linked Classification Criteria (2023). Collection method: clinical testing. Allele origin: unknown.
Comment: This variant is considered benign. This variant is a silent/synonymous amino acid change and it is not expected to impact splicing.

Labcorp Genetics (formerly Invitae), Labcorp
Classification: Likely benign for Familial cancer of breast. Last evaluated: 2023-10-13. Review status: criteria provided, single submitter. Criteria: Invitae Variant Classification Sherloc (09022015). Collection method: clinical testing. Allele origin: germline.

Ambry Genetics
Classification: Likely benign for Hereditary cancer-predisposing syndrome. Last evaluated: 2022-08-16. Review status: criteria provided, single submitter. Criteria: Ambry Variant Classification Scheme 2023. Collection method: clinical testing. Allele origin: germline.